The following is an entry in ClinVar:

ClinVar aggregate classification (germline): Likely benign (1 of 4 stars; one submission).

Allele frequency attached by ClinVar (database versions not stated): gnomAD 0.00001; gnomAD exomes 0.00002; ExAC 0.00003.
gnomAD v4.1: 31 of 1,613,894 alleles (0.0019%); highest among the groups gnomAD compares: East Asian, 0.0089%; no homozygotes.

Submission:

CeGaT Center for Human Genetics Tuebingen
Classification: Likely benign. Last evaluated: 2022-04-01. Review status: criteria provided, single submitter. Criteria: CeGaT Center For Human Genetics Tuebingen Variant Classification Criteria Version 2. Collection method: clinical testing. Allele origin: germline. Affected: yes. Observed: 1 variant allele.
Comment: CCNI2: BP4, BP7

NM_001039780.4(CCNI2):c.753G>A (p.Thr251=)

Genes: CCNI2 (cyclin I family member 2; plus strand), SEPTIN8 (septin 8; minus strand). Cytogenetic location: 5q31.1.
Variant type: single nucleotide variant.
Coding change: c.753G>A on transcript NM_001039780.4 (MANE Select); coding-DNA position 753, G replaced by A.
Protein change: p.Thr251=; no amino-acid change (threonine 251 retained).
Molecular consequence: synonymous variant. On other transcripts: 3 prime UTR variant (1).
Genome position (GRCh38, 1-based): chr5:132,750,976, G>A. VCF-style: chr5-132750976-G-A. GRCh37 (hg19) VCF-style: chr5-132086668-G-A.
Other names: c.*1040C>T (NM_001098811.2); c.753G>A, p.Thr251= (NM_001287252.2); c.756G>A, p.Thr252= (NM_001287253.2).
Identifiers: ClinVar variation 2655696 (VCV002655696.24), dbSNP rs755646712, ClinGen allele CA3406692.